The following is an entry in ClinVar:

NM_000165.5(GJA1):c.780_781del (p.Cys260fs)

Gene: GJA1 (gap junction protein alpha 1; plus strand). Cytogenetic location: 6q22.31.
Variant type: Microsatellite.
Coding change: c.780_781del on transcript NM_000165.5 (MANE Select); coding-DNA positions 780 to 781, 2 bases deleted (TG; older notation c.780_781delTG).
Protein change: p.Cys260fs; shifts the reading frame from cysteine 260.
Molecular consequence: frameshift variant.
Genome position (GRCh38, 1-based): chr6:121,447,627-121,447,628, TG deleted; deleting any 2 consecutive bases within chr6:121,447,625-121,447,628 gives the same sequence; the c. name uses the placement nearest the transcript's 3' end. VCF-style (leftmost placement, unchanged base first): chr6-121447624-CTG-C. GRCh37 (hg19) VCF-style: chr6-121768770-CTG-C.
Other names: c.780_781del (NM_000165.3); short protein forms C260fs.
Identifiers: ClinVar variation 16989 (VCV000016989.2), dbSNP rs1582558666, ClinGen allele CA913184964.

ClinVar aggregate classification (germline): Pathogenic. Review status: criteria provided, single submitter (1 of 4 stars). 2 submissions from 2 submitters: Pathogenic (1). 1 of the submissions does not count toward it. Last evaluated 2025-03-05.

Conditions:
Oculodentodigital dysplasia (ODDD). Also called: ODD SYNDROME; Oculodentodigital syndrome. Identifiers: Orphanet 2710, MedGen C0812437, MONDO:0008111, OMIM 164200.

Submissions (2):

GeneDx
Classification: Pathogenic. Last evaluated: 2025-03-05. Review status: criteria provided, single submitter. Criteria: GeneDx Variant Classification Process June 2021. Collection method: clinical testing. Allele origin: germline. Affected: yes.
Comment: Published functional studies demonstrate a damaging effect on protein function, specifically resulting in protein mislocalization and a dominant-negative effect (PMID: 16891658); Frameshift variant predicted to result in abnormal protein length as the last 123 amino acids are replaced with 46 different amino acids; Not observed at significant frequency in large population cohorts (gnomAD); This variant is associated with the following publications: (PMID: 15551259, 16891658)

OMIM
Classification: Pathogenic for OCULODENTODIGITAL DYSPLASIA. Last evaluated: 2005-01-15. Review status: no assertion criteria provided. Collection method: literature only. Allele origin: germline. Not counted in ClinVar's aggregate classification.

Literature cited by the submitters: PubMed 15551259 (cited by OMIM).